The following is an entry in ClinVar:

NM_032242.4(PLXNA1):c.4363-8C>T

Gene: PLXNA1 (plexin A1; plus strand). Cytogenetic location: 3q21.3.
Variant type: single nucleotide variant.
Coding change: c.4363-8C>T on transcript NM_032242.4 (MANE Select); 8 bases into the intron before coding-DNA position 4363, C replaced by T.
Molecular consequence: intron variant.
Genome position (GRCh38, 1-based): chr3:127,027,932, C>T. VCF-style: chr3-127027932-C-T. GRCh37 (hg19) VCF-style: chr3-126746775-C-T.
Identifiers: ClinVar variation 3344712 (VCV003344712.1).

ClinVar aggregate classification (germline): Likely benign (0 of 4 stars; one submission).

Conditions:
PLXNA1-related disorder. Also called: PLXNA1-related condition.

gnomAD v4.1: 14 of 1,613,148 alleles (0.00087%); highest among the groups gnomAD compares: Non-Finnish European, 0.0011%; no homozygotes.

Submission:

PreventionGenetics, part of Exact Sciences
Classification: Likely benign for PLXNA1-related condition. Last evaluated: 2024-07-03. Review status: no assertion criteria provided. Collection method: clinical testing. Allele origin: germline.
Comment: This variant is classified as likely benign based on ACMG/AMP sequence variant interpretation guidelines (Richards et al. 2015 PMID: 25741868, with internal and published modifications).